The following is an entry in ClinVar:

NM_000540.3(RYR1):c.3128G>T (p.Arg1043Leu)

Gene: RYR1 (ryanodine receptor 1; plus strand). Cytogenetic location: 19q13.2.
Variant type: single nucleotide variant.
Coding change: c.3128G>T on transcript NM_000540.3 (MANE Select); coding-DNA position 3128, G replaced by T.
Protein change: p.Arg1043Leu; replaces arginine 1043 with leucine.
Molecular consequence: missense variant.
Genome position (GRCh38, 1-based): chr19:38,466,348, G>T. VCF-style: chr19-38466348-G-T. GRCh37 (hg19) VCF-style: chr19-38956988-G-T.
Other names: c.3128G>T, p.Arg1043Leu (NM_001042723.2); short protein forms R1043L.
Identifiers: ClinVar variation 4689700 (VCV004689700.1).

ClinVar aggregate classification (germline): Uncertain significance (1 of 4 stars; one submission).

gnomAD v4.1: 4 of 1,589,114 alleles (0.00025%); highest among the groups gnomAD compares: Non-Finnish European, 0.00034%; no homozygotes.

Submission:

Women's Health and Genetics/Laboratory Corporation of America, LabCorp
Classification: Uncertain significance. Last evaluated: 2026-01-02. Review status: criteria provided, single submitter. Criteria: LabCorp Variant Classification Summary - May 2015. Collection method: clinical testing. Allele origin: germline.
Comment: Variant summary: RYR1 c.3128G>T (p.Arg1043Leu) results in a non-conservative amino acid change in the encoded protein sequence. Algorithms developed to predict the effect of missense changes on protein structure and function all suggest that this variant is likely to be disruptive. The variant was absent in 199500 control chromosomes. The available data on variant occurrences in the general population are insufficient to allow any conclusion about variant significance. To our knowledge, no occurrence of c.3128G>T in individuals affected with RYR1-related conditions and no experimental evidence demonstrating its impact on protein function have been reported. No submitters have cited clinical-significance assessments for this variant to ClinVar. Based on the evidence outlined above, the variant was classified as uncertain significance.